The following is an entry in ClinVar:

ClinVar aggregate classification (germline): Likely pathogenic (1 of 4 stars; one submission).

Conditions:
Danon disease. Also called: ANTOPOL DISEASE; PSEUDOGLYCOGENOSIS II; GSD IIb; LYSOSOMAL GLYCOGEN STORAGE DISEASE WITHOUT ACID MALTASE DEFICIENCY; Glycogen Storage Disease Type IIb. Identifiers: Orphanet 34587, MedGen C0878677, MONDO:0010281, OMIM 300257.

Submission:

Molecular Genetics Laboratory, Motol Hospital
Classification: Likely pathogenic for Danon disease. Last evaluated: 2026-05-30. Review status: criteria provided, single submitter. Criteria: ACMG Guidelines, 2015. Collection method: clinical testing. Allele origin: germline. Affected: yes. Observed: 1 variant allele.
Comment: A rare variant not present in non-Finnish European population (gnomAD v4.1.1) (PM2). Rare truncating variants in the LAMP2 gene are associated with X-linked dominant Danon disease with the clinical manifestation of hypertrophic cardiomyopathy (PVS1). The variant c.445_449del is classified as likely pathogenic.

Literature cited by the submitters: PubMed 19057086; PubMed 17899313; PubMed 15889279; PubMed 25589223.

NM_002294.3(LAMP2):c.445_449del (p.Asp149fs)

Gene: LAMP2 (lysosome associated membrane protein 2; minus strand). Cytogenetic location: Xq24.
Variant type: Deletion.
Coding change: c.445_449del on transcript NM_002294.3 (MANE Select); coding-DNA positions 445 to 449, 5 bases deleted (GACCT; older notation c.445_449delGACCT).
Protein change: p.Asp149fs; shifts the reading frame from aspartic acid 149.
Molecular consequence: frameshift variant.
Genome position (GRCh38, 1-based): chrX:120,449,077-120,449,081, AGGTC deleted on the plus strand (GACCT on the coding strand, the reverse complement: LAMP2 is on the minus strand); deleting any 5 consecutive bases within chrX:120,449,077-120,449,082 gives the same sequence; the c. name uses the placement nearest the transcript's 3' end. VCF-style (leftmost placement, unchanged base first): chrX-120449076-AAGGTC-A. GRCh37 (hg19) VCF-style: chrX-119582931-AAGGTC-A.
Other names: c.445_449del, p.Asp149fs (NM_001122606.1, NM_013995.2); short protein forms D149fs.
Identifiers: ClinVar variation 4853828 (VCV004853828.1).
Genomic context (GRCh38, chrX:120,449,076, plus strand): 5'-ATCCCAGTAGTGTTGGACAACATCATTCTTTTCCAAAGTTGATAAACTATTGCATCTAAA[AAGGTC>A]ATTCAATGGAATTCTGATGGCCAAAAGTTCATCAACAGTAAGAATTCCTATAAAACAAGA-3'